The following is an entry in ClinVar:

ClinVar aggregate classification (germline): Uncertain significance (1 of 4 stars; one submission).

gnomAD v4.1: 9 of 1,189,149 alleles (0.00076%); highest among the groups gnomAD compares: African/African-American, 0.0035%; no homozygotes.

Submission:

Labcorp Genetics (formerly Invitae), Labcorp
Classification: Uncertain significance. Last evaluated: 2025-07-10. Review status: criteria provided, single submitter. Criteria: Invitae Variant Classification Sherloc (09022015). Collection method: clinical testing. Allele origin: germline.
Comment: This sequence change replaces proline, which is neutral and non-polar, with leucine, which is neutral and non-polar, at codon 1180 of the COL4A6 protein (p.Pro1180Leu). The frequency data for this variant in the population databases is considered unreliable, as metrics indicate poor data quality at this position in the gnomAD database. This variant has not been reported in the literature in individuals affected with COL4A6-related conditions. ClinVar contains an entry for this variant (Variation ID: 3674576). Invitae Evidence Modeling of protein sequence and biophysical properties (such as structural, functional, and spatial information, amino acid conservation, physicochemical variation, residue mobility, and thermodynamic stability) indicates that this missense variant is not expected to disrupt COL4A6 protein function with a negative predictive value of 80%. In summary, the available evidence is currently insufficient to determine the role of this variant in disease. Therefore, it has been classified as a Variant of Uncertain Significance.

NM_033641.4(COL4A6):c.3536C>T (p.Pro1179Leu)

Gene: COL4A6 (collagen type IV alpha 6 chain; minus strand). Cytogenetic location: Xq22.3.
Variant type: single nucleotide variant.
Coding change: c.3536C>T on transcript NM_033641.4 (MANE Select); coding-DNA position 3536, C replaced by T.
Protein change: p.Pro1179Leu; replaces proline 1179 with leucine.
Molecular consequence: missense variant. On other transcripts: intron variant (2).
Genome position (GRCh38, 1-based): chrX:108,169,974, G>A on the plus strand (C>T on the coding strand, the complement: COL4A6 is on the minus strand). VCF-style: chrX-108169974-G-A. GRCh37 (hg19) VCF-style: chrX-107413204-G-A.
Other names: c.3587C>T, p.Pro1196Leu (NM_001287758.2); c.3539C>T, p.Pro1180Leu (NM_001847.4); c.3494-354C>T (NM_001287760.2, NM_001287759.2); short protein forms P1180L, P1179L, P1196L.
Identifiers: ClinVar variation 3674576 (VCV003674576.2).